The following is an entry in ClinVar:

NM_006269.2(RP1):c.4576G>T (p.Glu1526Ter)

Gene: RP1 (RP1 axonemal microtubule associated; plus strand). Cytogenetic location: 8q12.1.
Variant type: single nucleotide variant.
Coding change: c.4576G>T on transcript NM_006269.2 (MANE Select); coding-DNA position 4576, G replaced by T.
Protein change: p.Glu1526Ter; replaces glutamic acid 1526 with a stop codon.
Molecular consequence: nonsense.
Genome position (GRCh38, 1-based): chr8:54,628,458, G>T. VCF-style: chr8-54628458-G-T. GRCh37 (hg19) VCF-style: chr8-55541018-G-T.
Other names: NC_000008.10:g.55541018G>T; NP_006260.1:p.(Glu1526Ter); short protein forms E1526*.
Identifiers: ClinVar variation 636095 (VCV000636095.4), dbSNP rs1585567204, ClinGen allele CA370982710.

ClinVar aggregate classification (germline): Pathogenic. Review status: criteria provided, single submitter (1 of 4 stars). 2 submissions from 2 submitters: Pathogenic (1). 1 of the submissions does not count toward it. Last evaluated 2024-05-27.

Conditions:
Retinitis pigmentosa (RP). Identifiers: Orphanet 791, MedGen C0035334, MeSH D012174, MONDO:0019200, OMIM 268000. Inheritance: Autosomal dominant, autosomal recessive and X linked inheritance.
Retinal dystrophy. Also called: Inherited retinal dystrophy. Identifiers: Orphanet 71862, MedGen C0854723, MeSH D058499, MONDO:0019118, HP:0000556.

Submissions (2):

Ophthalmic Genetics Group, Institute of Molecular and Clinical Ophthalmology Basel
Classification: Pathogenic for Retinal dystrophy. Last evaluated: 2024-05-27. Review status: criteria provided, single submitter. Criteria: ACMG Guidelines, 2015. Collection method: research. Allele origin: germline. Affected: yes. Observed: 2 variant alleles.
Comment: This variant was classified as Pathogenic based on ACMG criteria: PVS1_strong, PS4_strong and PM2_mod

Department of Clinical Genetics, Copenhagen University Hospital, Rigshospitalet
Classification: Likely pathogenic for Retinitis pigmentosa. Last evaluated: 2018-04-01. Review status: no assertion criteria provided. Collection method: research. Allele origin: unknown. Affected: yes. Study: VeluxRD. Not counted in ClinVar's aggregate classification.

Literature cited by the submitters: PubMed 30718709 (cited by Ophthalmic Genetics Group, Institute of Molecular and Clinical Ophthalmology Basel and Department of Clinical Genetics, Copenhagen University Hospital, Rigshospitalet); PubMed 40180963 (cited by Ophthalmic Genetics Group, Institute of Molecular and Clinical Ophthalmology Basel).